The following is an entry in ClinVar:

NM_001329943.3(KIAA0586):c.2388A>G (p.Ile796Met)

Gene: KIAA0586 (KIAA0586; plus strand). Cytogenetic location: 14q23.1.
Variant type: single nucleotide variant.
Coding change: c.2388A>G on transcript NM_001329943.3 (MANE Select); coding-DNA position 2388, A replaced by G.
Protein change: p.Ile796Met; replaces isoleucine 796 with methionine.
Molecular consequence: missense variant.
Genome position (GRCh38, 1-based): chr14:58,467,868, A>G. VCF-style: chr14-58467868-A-G. GRCh37 (hg19) VCF-style: chr14-58934586-A-G.
Other names: c.2547A>G, p.Ile849Met (NM_001244189.2); c.2343A>G, p.Ile781Met (NM_001244190.2); c.2133A>G, p.Ile711Met (NM_001244191.2, NM_001329945.2, NM_001364700.1 and 1 more transcripts); c.2256A>G, p.Ile752Met (NM_001244192.2); c.1968A>G, p.Ile656Met (NM_001244193.2); c.2388A>G, p.Ile796Met (NM_001329944.2, NM_001329946.2, NM_001329947.2); c.2160A>G, p.Ile720Met (NM_014749.5); short protein forms I656M, I752M, I711M, I720M, I796M, I849M, I781M.
Identifiers: ClinVar variation 2129268 (VCV002129268.4), dbSNP rs2543277095, ClinGen allele CA389875386.
Genomic context (GRCh38, chr14:58,467,868, plus strand): 5'-GACTACTTCTATTCCTCCATCATCTCGAAAAGTAGAAACTGGAGTAAAGAAACCTAACAT[A>G]GCCATTGTAGAAATGAAGTCAGAAAAAAAGGATCCTCCTCAGCTTACTGTGCAGGTATGC-3'
Protein context (NP_001316872.1, residues 786-806): KVETGVKKPN[Ile796Met]AIVEMKSEKK

ClinVar aggregate classification (germline): Uncertain significance (1 of 4 stars; one submission).

Conditions:
Short-rib thoracic dysplasia 14 with polydactyly (SRTD14). Identifiers: Orphanet 397715, MedGen C4225286, MONDO:0014688, OMIM 616546.
Joubert syndrome 23 (JBTS23). Identifiers: Orphanet 475, MedGen C4084822, MONDO:0014664, OMIM 616490.

Submission:

Labcorp Genetics (formerly Invitae), Labcorp
Classification: Uncertain significance for Joubert syndrome 23; Short-rib thoracic dysplasia 14 with polydactyly. Last evaluated: 2022-04-22. Review status: criteria provided, single submitter. Criteria: Invitae Variant Classification Sherloc (09022015). Collection method: clinical testing. Allele origin: germline.
Comment: This sequence change replaces isoleucine, which is neutral and non-polar, with methionine, which is neutral and non-polar, at codon 849 of the KIAA0586 protein (p.Ile849Met). This variant is not present in population databases (gnomAD no frequency). This variant has not been reported in the literature in individuals affected with KIAA0586-related conditions. Algorithms developed to predict the effect of missense changes on protein structure and function are either unavailable or do not agree on the potential impact of this missense change (SIFT: "Deleterious"; PolyPhen-2: "Probably Damaging"; Align-GVGD: "Class C0"). In summary, the available evidence is currently insufficient to determine the role of this variant in disease. Therefore, it has been classified as a Variant of Uncertain Significance.